The following is an entry in ClinVar:

ClinVar aggregate classification (germline): Uncertain significance. Review status: criteria provided, multiple submitters, no conflicts (2 of 4 stars). 3 submissions from 3 submitters: Uncertain significance (3). Last evaluated 2025-09-27.

Conditions:
Familial cancer of breast. Also called: BREAST CANCER, FAMILIAL; Hereditary breast cancer; hereditary breast carcinoma. Identifiers: Orphanet 227535, MedGen C0346153, MONDO:0016419, OMIM 114480. Disease mechanism: loss of function.
Hereditary cancer-predisposing syndrome. Also called: Neoplastic Syndromes, Hereditary; Tumor predisposition; Hereditary neoplastic syndrome; Hereditary Cancer Syndrome. Identifiers: Orphanet 140162, MedGen C0027672, MeSH D009386, MONDO:0015356.

Allele frequency attached by ClinVar (database versions not stated): gnomAD exomes below 0.00001; ExAC 0.00001.
gnomAD v4.1: 3 of 1,578,650 alleles (0.00019%); highest among the groups gnomAD compares: South Asian, 0.0012%; no homozygotes.

Submissions (3):

Ambry Genetics
Classification: Uncertain significance for Hereditary cancer-predisposing syndrome. Last evaluated: 2025-09-27. Review status: criteria provided, single submitter. Criteria: Ambry Variant Classification Scheme 2023. Collection method: clinical testing. Allele origin: germline.
Comment: The p.P252S variant (also known as c.754C>T), located in coding exon 4 of the BARD1 gene, results from a C to T substitution at nucleotide position 754. The proline at codon 252 is replaced by serine, an amino acid with similar properties. This amino acid position is not well conserved in available vertebrate species. In addition, this alteration is predicted to be tolerated by in silico analysis. Since supporting evidence is limited at this time, the clinical significance of this alteration remains unclear.

Labcorp Genetics (formerly Invitae), Labcorp
Classification: Uncertain significance for Familial cancer of breast. Last evaluated: 2025-02-19. Review status: criteria provided, single submitter. Criteria: Invitae Variant Classification Sherloc (09022015). Collection method: clinical testing. Allele origin: germline.
Comment: This sequence change replaces proline, which is neutral and non-polar, with serine, which is neutral and polar, at codon 252 of the BARD1 protein (p.Pro252Ser). This variant is present in population databases (rs758368819, gnomAD 0.004%). This variant has not been reported in the literature in individuals affected with BARD1-related conditions. ClinVar contains an entry for this variant (Variation ID: 827116). An algorithm developed to predict the effect of missense changes on protein structure and function outputs the following: PolyPhen-2: "Benign". The serine amino acid residue is found in multiple mammalian species, which suggests that this missense change does not adversely affect protein function. In summary, the available evidence is currently insufficient to determine the role of this variant in disease. Therefore, it has been classified as a Variant of Uncertain Significance.

Baylor Genetics
Classification: Uncertain significance for Familial cancer of breast. Last evaluated: 2023-10-26. Review status: criteria provided, single submitter. Criteria: ACMG Guidelines, 2015. Collection method: clinical testing. Allele origin: unknown.

NM_000465.4(BARD1):c.754C>T (p.Pro252Ser)

Gene: BARD1 (BRCA1 associated RING domain 1; minus strand). Cytogenetic location: 2q35.
Variant type: single nucleotide variant.
Coding change: c.754C>T on transcript NM_000465.4 (MANE Select); coding-DNA position 754, C replaced by T.
Protein change: p.Pro252Ser; replaces proline 252 with serine.
Molecular consequence: missense variant. On other transcripts: non-coding transcript variant (2), intron variant (3).
Genome position (GRCh38, 1-based): chr2:214,781,120, G>A on the plus strand (C>T on the coding strand, the complement: BARD1 is on the minus strand). VCF-style: chr2-214781120-G-A. GRCh37 (hg19) VCF-style: chr2-215645844-G-A.
Other names: c.697C>T, p.Pro233Ser (NM_001282543.2); c.158+28292C>T (NM_001282548.2); c.215+15941C>T (NM_001282545.2); c.364+11177C>T (NM_001282549.2); short protein forms P233S, P252S.
Identifiers: ClinVar variation 827116 (VCV000827116.7), dbSNP rs758368819, ClinGen allele CA2090384.